The following is an entry in ClinVar:

ClinVar aggregate classification (germline): Uncertain significance (1 of 4 stars; one submission).

Submission:

Labcorp Genetics (formerly Invitae), Labcorp
Classification: Uncertain significance. Last evaluated: 2024-04-02. Review status: criteria provided, single submitter. Criteria: Invitae Variant Classification Sherloc (09022015). Collection method: clinical testing. Allele origin: germline.
Comment: This sequence change replaces proline, which is neutral and non-polar, with alanine, which is neutral and non-polar, at codon 200 of the FOXA2 protein (p.Pro200Ala). This variant is not present in population databases (gnomAD no frequency). This variant has not been reported in the literature in individuals affected with FOXA2-related conditions. ClinVar contains an entry for this variant (Variation ID: 2163375). An algorithm developed to predict the effect of missense changes on protein structure and function (PolyPhen-2) suggests that this variant is likely to be disruptive. In summary, the available evidence is currently insufficient to determine the role of this variant in disease. Therefore, it has been classified as a Variant of Uncertain Significance.

NM_021784.5(FOXA2):c.598C>G (p.Pro200Ala)

Gene: FOXA2 (forkhead box A2; minus strand). Cytogenetic location: 20p11.21.
Variant type: single nucleotide variant.
Coding change: c.598C>G on transcript NM_021784.5 (MANE Select); coding-DNA position 598, C replaced by G.
Protein change: p.Pro200Ala; replaces proline 200 with alanine.
Molecular consequence: missense variant.
Genome position (GRCh38, 1-based): chr20:22,582,644, G>C on the plus strand (C>G on the coding strand, the complement: FOXA2 is on the minus strand). VCF-style: chr20-22582644-G-C. GRCh37 (hg19) VCF-style: chr20-22563282-G-C.
Other names: c.580C>G, p.Pro194Ala (NM_153675.3); short protein forms P194A, P200A.
Identifiers: ClinVar variation 2163375 (VCV002163375.4), dbSNP rs2514813129, ClinGen allele CA408502174.
Genomic context (GRCh38, chr20:22,582,644, plus strand): 5'-TGAAGGAGAGCGAGTGGCGGATGGAGTTCTGCCAGCGCTGCTGGTTCTGCCGGTAGAAGG[G>C]GAAGAGGTCCATGATCCACTGGTAGATCTCGCTCAGCGTCAGCATCTTGTTGGGGCTCTG-3'
Protein context (NP_068556.2, residues 190-210): EIYQWIMDLF[Pro200Ala]FYRQNQQRWQ